The following is an entry in ClinVar:

NM_000392.5(ABCC2):c.1462C>T (p.Gln488Ter)

Gene: ABCC2 (ATP binding cassette subfamily C member 2; plus strand). Cytogenetic location: 10q24.2.
Variant type: single nucleotide variant.
Coding change: c.1462C>T on transcript NM_000392.5 (MANE Select); coding-DNA position 1462, C replaced by T.
Protein change: p.Gln488Ter; replaces glutamine 488 with a stop codon.
Molecular consequence: nonsense.
Genome position (GRCh38, 1-based): chr10:99,804,271, C>T. VCF-style: chr10-99804271-C-T. GRCh37 (hg19) VCF-style: chr10-101564028-C-T.
Other names: short protein forms Q488*.
Identifiers: ClinVar variation 3382353 (VCV003382353.3).

ClinVar aggregate classification (germline): Likely pathogenic (1 of 4 stars; one submission).

Conditions:
Dubin-Johnson syndrome (DJS). Also called: HYPERBILIRUBINEMIA, DUBIN-JOHNSON TYPE; Jaundice, Chronic Idiopathic; Hyperbilirubinemia type 2. Identifiers: Orphanet 234, MedGen C0022350, MONDO:0009380, OMIM 237500.

Submission:

Juno Genomics, Hangzhou Juno Genomics, Inc
Classification: Likely pathogenic for Dubin-Johnson syndrome. Review status: criteria provided, single submitter. Criteria: ACMG Guidelines, 2015. Collection method: clinical testing. Allele origin: germline. Affected: yes.
Comment: Absent from controls (or at extremely low frequency if recessive) in Genome Aggregation Database, Exome Sequencing Project, 1000 Genomes Project, or Exome Aggregation Consortium.;Null variant in a gene where loss of function (LOF) is a known mechanism of disease.